The following is an entry in ClinVar:

NM_017649.5(CNNM2):c.1359C>A (p.Leu453=)

Gene: CNNM2 (cyclin and CBS domain divalent metal cation transport mediator 2; plus strand). Cytogenetic location: 10q24.32.
Variant type: single nucleotide variant.
Coding change: c.1359C>A on transcript NM_017649.5 (MANE Select); coding-DNA position 1359, C replaced by A.
Protein change: p.Leu453=; no amino-acid change (leucine 453 retained).
Molecular consequence: synonymous variant.
Genome position (GRCh38, 1-based): chr10:102,919,839, C>A. VCF-style: chr10-102919839-C-A. GRCh37 (hg19) VCF-style: chr10-104679596-C-A.
Other names: c.1359C>A, p.Leu453= (NM_199076.3, NM_199077.3).
Identifiers: ClinVar variation 2640798 (VCV002640798.24), dbSNP rs2493376755, ClinGen allele CA471494969.

ClinVar aggregate classification (germline): Likely benign (1 of 4 stars; one submission).

Submission:

CeGaT Center for Human Genetics Tuebingen
Classification: Likely benign. Last evaluated: 2022-12-01. Review status: criteria provided, single submitter. Criteria: CeGaT Center For Human Genetics Tuebingen Variant Classification Criteria Version 2. Collection method: clinical testing. Allele origin: germline. Affected: yes. Observed: 1 variant allele.
Comment: CNNM2: PM2:Supporting, BP4, BP7